The following is an entry in ClinVar:

ClinVar aggregate classification (germline): Uncertain significance. Review status: criteria provided, multiple submitters, no conflicts (2 of 4 stars). 2 submissions from 2 submitters: Uncertain significance (2). Last evaluated 2023-04-26.

Conditions:
Hereditary spastic paraplegia 4. Also called: Spastic Paraplegia 4; Spastic paraplegia 4, autosomal dominant; Familial spastic paraplegia autosomal dominant 2. Identifiers: Orphanet 100985, MedGen C1866855, MONDO:0008438, OMIM 182601.

gnomAD v4.1: 1 of 1,613,940 alleles (0.000062%); highest among the groups gnomAD compares: Non-Finnish European, 0.000085%; no homozygotes.

Submissions (2):

Labcorp Genetics (formerly Invitae), Labcorp
Classification: Uncertain significance for Hereditary spastic paraplegia 4. Last evaluated: 2023-04-26. Review status: criteria provided, single submitter. Criteria: Invitae Variant Classification Sherloc (09022015). Collection method: clinical testing. Allele origin: germline.
Comment: In summary, the available evidence is currently insufficient to determine the role of this variant in disease. Therefore, it has been classified as a Variant of Uncertain Significance. Advanced modeling of protein sequence and biophysical properties (such as structural, functional, and spatial information, amino acid conservation, physicochemical variation, residue mobility, and thermodynamic stability) performed at Invitae indicates that this missense variant is not expected to disrupt SPAST protein function. ClinVar contains an entry for this variant (Variation ID: 1807010). This variant has not been reported in the literature in individuals affected with SPAST-related conditions. This variant is present in population databases (no rsID available, gnomAD 0.007%). This sequence change replaces serine, which is neutral and polar, with cysteine, which is neutral and slightly polar, at codon 282 of the SPAST protein (p.Ser282Cys).

Athena Diagnostics
Classification: Uncertain significance. Last evaluated: 2022-03-22. Review status: criteria provided, single submitter. Criteria: Athena Diagnostics Criteria. Collection method: clinical testing. Allele origin: unknown.

NM_014946.4(SPAST):c.845C>G (p.Ser282Cys)

Gene: SPAST (spastin; plus strand). Cytogenetic location: 2p22.3.
Variant type: single nucleotide variant.
Coding change: c.845C>G on transcript NM_014946.4 (MANE Select); coding-DNA position 845, C replaced by G.
Protein change: p.Ser282Cys; replaces serine 282 with cysteine.
Molecular consequence: missense variant.
Genome position (GRCh38, 1-based): chr2:32,114,800, C>G. VCF-style: chr2-32114800-C-G. GRCh37 (hg19) VCF-style: chr2-32339869-C-G.
Other names: c.842C>G, p.Ser281Cys (NM_001363823.2); c.746C>G, p.Ser249Cys (NM_001363875.2); c.749C>G, p.Ser250Cys (NM_001377959.1, NM_199436.2); short protein forms S249C, S250C, S281C, S282C.
Identifiers: ClinVar variation 1807010 (VCV001807010.4), dbSNP rs1230337524, ClinGen allele CA346498843.
Genomic context (GRCh38, chr2:32,114,800, plus strand): 5'-GCCACCATAGAGCACCTAGTTACAGTGGTTTATCCATGGTTTCTGGAGTGAAACAGGGAT[C>G]TGGTCCTGCTCCTACCACTCATAAGGTATTCTGGGACAGTAACTTTAATTGCTGTCTTTT-3'
Protein context (NP_055761.2, residues 272-292): LSMVSGVKQG[Ser282Cys]GPAPTTHKGT